The following is an entry in ClinVar:

NM_001037333.3(CYFIP2):c.3349G>A (p.Val1117Ile)

Genes: CYFIP2 (cytoplasmic FMR1 interacting protein 2; plus strand), NIPAL4-DT (NIPAL4 divergent transcript; minus strand). Cytogenetic location: 5q33.3.
Variant type: single nucleotide variant.
Coding change: c.3349G>A on transcript NM_001037333.3 (MANE Select); coding-DNA position 3349, G replaced by A.
Protein change: p.Val1117Ile; replaces valine 1117 with isoleucine.
Molecular consequence: missense variant.
Genome position (GRCh38, 1-based): chr5:157,389,330, G>A. VCF-style: chr5-157389330-G-A. GRCh37 (hg19) VCF-style: chr5-156816338-G-A.
Other names: c.3271G>A, p.Val1091Ile (NM_001291721.2); c.3424G>A, p.Val1142Ile (NM_001291722.2); c.3349G>A, p.Val1117Ile (NM_014376.4); short protein forms V1142I, V1091I, V1117I.
Identifiers: ClinVar variation 1484688 (VCV001484688.9), dbSNP rs764457342, ClinGen allele CA3534342.

ClinVar aggregate classification (germline): Conflicting classifications of pathogenicity. Review status: criteria provided, conflicting classifications (1 of 4 stars). 2 submissions from 2 submitters: Uncertain significance (1); Likely benign (1). Last evaluated 2026-01-29.

Conditions:
Developmental and epileptic encephalopathy, 65. Also called: EPILEPTIC ENCEPHALOPATHY, EARLY INFANTILE, 65. Identifiers: MedGen C4693925, MONDO:0033374, OMIM 618008.

Allele frequency attached by ClinVar (database versions not stated): gnomAD exomes 0.00001; ExAC 0.00002; TOPMed 0.00002.
gnomAD v4.1: 20 of 1,614,016 alleles (0.0012%); highest among the groups gnomAD compares: Non-Finnish European, 0.0016%; no homozygotes.

Submissions (2):

Centre for Medical Genetics,  Mumbai
Classification: Likely benign for Developmental and epileptic encephalopathy, 65. Last evaluated: 2026-01-29. Review status: criteria provided, single submitter. Criteria: ACMG Guidelines, 2015. Collection method: provider interpretation. Allele origin: germline. Inheritance: Autosomal dominant inheritance. Affected: no. Observed: 1 heterozygote.
Comment: The variant satisfies PM2 criteria; Extremely low frequency in gnomAD population databases. The variant satisfies PP2 criteria; Missense variant in a gene with low rate of benign missense mutations and for which missense mutation is a common mechanism of a disease. However, the variant satisfies BS2 criteria.

Labcorp Genetics (formerly Invitae), Labcorp
Classification: Uncertain significance. Last evaluated: 2025-09-02. Review status: criteria provided, single submitter. Criteria: Invitae Variant Classification Sherloc (09022015). Collection method: clinical testing. Allele origin: germline.
Comment: This sequence change replaces valine, which is neutral and non-polar, with isoleucine, which is neutral and non-polar, at codon 1117 of the CYFIP2 protein (p.Val1117Ile). This variant is present in population databases (rs764457342, gnomAD 0.002%). This variant has not been reported in the literature in individuals affected with CYFIP2-related conditions. ClinVar contains an entry for this variant (Variation ID: 1484688). Experimental studies and prediction algorithms are not available or were not evaluated, and the functional significance of this variant is currently unknown. In summary, the available evidence is currently insufficient to determine the role of this variant in disease. Therefore, it has been classified as a Variant of Uncertain Significance.

Literature cited by the submitters: PubMed 29534297 (cited by Centre for Medical Genetics,  Mumbai).